The following is an entry in ClinVar:

ClinVar aggregate classification (germline): Pathogenic (1 of 4 stars; one submission).

Conditions:
Curry-Hall syndrome (WAD). Also called: WEYERS ACRODENTAL DYSOSTOSIS. Identifiers: Orphanet 952, MedGen C0457013, MONDO:0008673, OMIM 193530.
Ellis-van Creveld syndrome (EVC). Also called: EVC-Related Ellis-van Creveld Syndrome; EVC2-Related Ellis-van Creveld Syndrome; MESOECTODERMAL DYSPLASIA; Chondroectodermal dysplasia. Identifiers: Orphanet 289, MedGen C0013903, MONDO:0009162, OMIM 225500.

gnomAD v4.1: 1 of 1,614,110 alleles (0.000062%); highest among the groups gnomAD compares: Admixed American, 0.0017%; no homozygotes.

Submission:

Labcorp Genetics (formerly Invitae), Labcorp
Classification: Pathogenic for Curry-Hall syndrome; Ellis-van Creveld syndrome. Last evaluated: 2024-03-04. Review status: criteria provided, single submitter. Criteria: Invitae Variant Classification Sherloc (09022015). Collection method: clinical testing. Allele origin: germline.
Comment: This sequence change creates a premature translational stop signal (p.Ser83*) in the EVC gene. It is expected to result in an absent or disrupted protein product. Loss-of-function variants in EVC are known to be pathogenic (PMID: 23220543). This variant is not present in population databases (gnomAD no frequency). This variant has not been reported in the literature in individuals affected with EVC-related conditions. For these reasons, this variant has been classified as Pathogenic.

Literature cited by the submitters: PubMed 23220543.

NM_153717.3(EVC):c.248C>G (p.Ser83Ter)

Gene: EVC (EvC ciliary complex subunit 1; plus strand). Cytogenetic location: 4p16.2.
Variant type: single nucleotide variant.
Coding change: c.248C>G on transcript NM_153717.3 (MANE Select); coding-DNA position 248, C replaced by G.
Protein change: p.Ser83Ter; replaces serine 83 with a stop codon.
Molecular consequence: nonsense.
Genome position (GRCh38, 1-based): chr4:5,719,321, C>G. VCF-style: chr4-5719321-C-G. GRCh37 (hg19) VCF-style: chr4-5721048-C-G.
Other names: c.248C>G, p.Ser83Ter (NM_001306092.2, NM_001306090.2); short protein forms S83*.
Identifiers: ClinVar variation 2944862 (VCV002944862.3), dbSNP rs886059495, ClinGen allele CA356158278.